The following is an entry in ClinVar:

ClinVar aggregate classification (germline): Uncertain significance. Review status: criteria provided, multiple submitters, no conflicts (2 of 4 stars). 2 submissions from 2 submitters: Uncertain significance (2). Last evaluated 2025-10-05.

Conditions:
DICER1-related tumor predisposition. Also called: DICER1-related pleuropulmonary blastoma cancer predisposition syndrome; DICER1 syndrome. Identifiers: Orphanet 284343, MedGen C3839822, MONDO:0100216.
Hereditary cancer-predisposing syndrome. Also called: Neoplastic Syndromes, Hereditary; Hereditary neoplastic syndrome; Tumor predisposition; Hereditary Cancer Syndrome. Identifiers: Orphanet 140162, MedGen C0027672, MeSH D009386, MONDO:0015356.

Submissions (2):

Ambry Genetics
Classification: Uncertain significance for Hereditary cancer-predisposing syndrome. Last evaluated: 2025-10-05. Review status: criteria provided, single submitter. Criteria: Ambry Variant Classification Scheme 2023. Collection method: clinical testing. Allele origin: germline.
Comment: The p.H184D variant (also known as c.550C>G), located in coding exon 4 of the DICER1 gene, results from a C to G substitution at nucleotide position 550. The histidine at codon 184 is replaced by aspartic acid, an amino acid with similar properties. This amino acid position is conserved. In addition, the in silico prediction for this alteration is inconclusive. Based on the available evidence, the clinical significance of this variant remains unclear.

Labcorp Genetics (formerly Invitae), Labcorp
Classification: Uncertain significance for DICER1-related tumor predisposition. Last evaluated: 2025-05-05. Review status: criteria provided, single submitter. Criteria: Invitae Variant Classification Sherloc (09022015). Collection method: clinical testing. Allele origin: germline.
Comment: This sequence change replaces histidine, which is basic and polar, with aspartic acid, which is acidic and polar, at codon 184 of the DICER1 protein (p.His184Asp). This variant is not present in population databases (gnomAD no frequency). This variant has not been reported in the literature in individuals affected with DICER1-related conditions. ClinVar contains an entry for this variant (Variation ID: 837405). Invitae Evidence Modeling of protein sequence and biophysical properties (such as structural, functional, and spatial information, amino acid conservation, physicochemical variation, residue mobility, and thermodynamic stability) indicates that this missense variant is not expected to disrupt DICER1 protein function with a negative predictive value of 95%. In summary, the available evidence is currently insufficient to determine the role of this variant in disease. Therefore, it has been classified as a Variant of Uncertain Significance.

NM_177438.3(DICER1):c.550C>G (p.His184Asp)

Gene: DICER1 (dicer 1, ribonuclease III; minus strand). Cytogenetic location: 14q32.13.
Variant type: single nucleotide variant.
Coding change: c.550C>G on transcript NM_177438.3 (MANE Select); coding-DNA position 550, C replaced by G.
Protein change: p.His184Asp; replaces histidine 184 with aspartic acid.
Molecular consequence: missense variant.
Genome position (GRCh38, 1-based): chr14:95,130,081, G>C on the plus strand (C>G on the coding strand, the complement: DICER1 is on the minus strand). VCF-style: chr14-95130081-G-C. GRCh37 (hg19) VCF-style: chr14-95596418-G-C.
Other names: c.550C>G, p.His184Asp (NM_001195573.1, NM_001271282.3, NM_001291628.2 and 1 more transcripts); short protein forms H184D.
Identifiers: ClinVar variation 837405 (VCV000837405.12), dbSNP rs1893822227, ClinGen allele CA390888377.